The following is an entry in ClinVar:

ClinVar aggregate classification (germline): Benign (1 of 4 stars; one submission).

Submission:

CeGaT Center for Human Genetics Tuebingen
Classification: Benign. Last evaluated: 2025-12-01. Review status: criteria provided, single submitter. Criteria: CeGaT Center For Human Genetics Tuebingen Variant Classification Criteria Version 2. Collection method: clinical testing. Allele origin: germline. Affected: yes. Observed: 3 variant alleles.
Comment: DSPP: BS1, BS2

NM_014208.3(DSPP):c.3608_3609insCAGCAGTGA (p.Ser1231_Asn1232insSerAspSer)

Genes: DMP1-AS1 (DMP1 and DSPP antisense RNA 1; minus strand), DSPP (dentin sialophosphoprotein; plus strand). Cytogenetic location: 4q22.1.
Variant type: Insertion.
Coding change: c.3608_3609insCAGCAGTGA on transcript NM_014208.3 (MANE Select); coding-DNA positions 3608 to 3609, CAGCAGTGA inserted.
Protein change: p.Ser1231_Asn1232insSerAspSer.
Molecular consequence: inframe insertion.
Genome position: GRCh38 VCF-style: chr4-87616268-C-CGACAGCAGT. GRCh37 (hg19) VCF-style: chr4-88537420-C-CGACAGCAGT.
Identifiers: ClinVar variation 4281008 (VCV004281008.7).